The following is an entry in ClinVar:

ClinVar aggregate classification (germline): Uncertain significance. Review status: criteria provided, multiple submitters, no conflicts (2 of 4 stars). 3 submissions from 3 submitters: Uncertain significance (3). Last evaluated 2026-07-06.

Conditions:
Cardiovascular phenotype. Identifiers: MedGen CN230736.
Cardiomyopathy (CMYO). Also called: Cardiomyopathies. Identifiers: Orphanet 167848, MedGen C0878544, MONDO:0004994, HP:0001638. Inheritance: Various modes of inheritance.

Submissions (3):

Ambry Genetics
Classification: Uncertain significance for Cardiovascular phenotype. Last evaluated: 2026-07-06. Review status: criteria provided, single submitter. Criteria: Ambry Variant Classification Scheme 2023. Collection method: clinical testing. Allele origin: germline.
Comment: The p.I1032T variant (also known as c.3095T>C), located in coding exon 29 of the MYBPC3 gene, results from a T to C substitution at nucleotide position 3095. The isoleucine at codon 1032 is replaced by threonine, an amino acid with similar properties. This amino acid position is conserved. In addition, this alteration is predicted to be deleterious by in silico analysis. Based on the available evidence, the clinical significance of this variant remains unclear.

GeneDx
Classification: Uncertain significance. Last evaluated: 2025-02-16. Review status: criteria provided, single submitter. Criteria: GeneDx Variant Classification Process June 2021. Collection method: clinical testing. Allele origin: germline. Affected: yes.
Comment: Not observed at significant frequency in large population cohorts (gnomAD); In silico analysis supports that this missense variant has a deleterious effect on protein structure/function; Has not been previously published as pathogenic or benign to our knowledge

Color Diagnostics, LLC DBA Color Health
Classification: Uncertain significance for Cardiomyopathy. Last evaluated: 2024-03-06. Review status: criteria provided, single submitter. Criteria: ACMG Guidelines, 2015. Collection method: clinical testing. Allele origin: germline.
Comment: This missense variant replaces isoleucine with threonine at codon 1032 of the MYBPC3 protein. Computational prediction suggests that this variant may have a deleterious impact on protein structure and function (internally defined REVEL score threshold >= 0.7, PMID: 27666373). To our knowledge, functional studies have not been reported for this variant. This variant has not been reported in individuals affected with MYBPC3-related disorders in the literature. This variant has not been identified in the general population by the Genome Aggregation Database (gnomAD). The available evidence is insufficient to determine the role of this variant in disease conclusively. Therefore, this variant is classified as a Variant of Uncertain Significance.

NM_000256.3(MYBPC3):c.3095T>C (p.Ile1032Thr)

Gene: MYBPC3 (myosin binding protein C3; minus strand). Cytogenetic location: 11p11.2.
Variant type: single nucleotide variant.
Coding change: c.3095T>C on transcript NM_000256.3 (MANE Select); coding-DNA position 3095, T replaced by C.
Protein change: p.Ile1032Thr; replaces isoleucine 1032 with threonine.
Molecular consequence: missense variant.
Genome position (GRCh38, 1-based): chr11:47,333,652, A>G on the plus strand (T>C on the coding strand, the complement: MYBPC3 is on the minus strand). VCF-style: chr11-47333652-A-G. GRCh37 (hg19) VCF-style: chr11-47355203-A-G.
Other names: short protein forms I1032T.
Identifiers: ClinVar variation 2773710 (VCV002773710.4), dbSNP rs2495741739, ClinGen allele CA380315176.